The following is an entry in ClinVar:

NM_001349253.2(SCN11A):c.5087G>A (p.Gly1696Asp)

Gene: SCN11A (sodium voltage-gated channel alpha subunit 11; minus strand). Cytogenetic location: 3p22.2.
Variant type: single nucleotide variant.
Coding change: c.5087G>A on transcript NM_001349253.2 (MANE Select); coding-DNA position 5087, G replaced by A.
Protein change: p.Gly1696Asp; replaces glycine 1696 with aspartic acid.
Molecular consequence: missense variant.
Genome position (GRCh38, 1-based): chr3:38,846,983, C>T on the plus strand (G>A on the coding strand, the complement: SCN11A is on the minus strand). VCF-style: chr3-38846983-C-T. GRCh37 (hg19) VCF-style: chr3-38888474-C-T.
Other names: c.5087G>A, p.Gly1696Asp (NM_014139.3); short protein forms G1696D.
Identifiers: ClinVar variation 1440843 (VCV001440843.6), dbSNP rs2126075625, ClinGen allele CA352161303.

ClinVar aggregate classification (germline): Uncertain significance (1 of 4 stars; one submission).

Conditions:
Hereditary sensory and autonomic neuropathy type 7. Also called: HSAN VII; Neuropathy, hereditary sensory and autonomic, type VII. Identifiers: Orphanet 391397, MedGen C3809882, MONDO:0014244, OMIM 615548.
Familial episodic pain syndrome with predominantly lower limb involvement. Also called: Episodic pain syndrome, familial, 3. Identifiers: Orphanet 391384, Orphanet 391392, MedGen C3809899, MONDO:0014247, OMIM 615552.

Submission:

Labcorp Genetics (formerly Invitae), Labcorp
Classification: Uncertain significance for Familial episodic pain syndrome with predominantly lower limb involvement; Hereditary sensory and autonomic neuropathy type 7. Last evaluated: 2021-10-23. Review status: criteria provided, single submitter. Criteria: Invitae Variant Classification Sherloc (09022015). Collection method: clinical testing. Allele origin: germline.
Comment: This variant is not present in population databases (ExAC no frequency). In summary, the available evidence is currently insufficient to determine the role of this variant in disease. Therefore, it has been classified as a Variant of Uncertain Significance. Algorithms developed to predict the effect of missense changes on protein structure and function output the following: SIFT: "Tolerated"; PolyPhen-2: "Benign"; Align-GVGD: "Class C0". The aspartic acid amino acid residue is found in multiple mammalian species, which suggests that this missense change does not adversely affect protein function. This variant has not been reported in the literature in individuals affected with SCN11A-related conditions. This sequence change replaces glycine with aspartic acid at codon 1696 of the SCN11A protein (p.Gly1696Asp). The glycine residue is weakly conserved and there is a moderate physicochemical difference between glycine and aspartic acid.